The following is an entry in ClinVar:

ClinVar aggregate classification (germline): Uncertain significance. Review status: criteria provided, multiple submitters, no conflicts (2 of 4 stars). 4 submissions from 4 submitters: Uncertain significance (4). Last evaluated 2025-05-07.

Conditions:
Cardiovascular phenotype. Identifiers: MedGen CN230736.
Alstrom syndrome (ALMS). Identifiers: Orphanet 64, MedGen C0268425, MONDO:0008763, OMIM 203800.

Allele frequency attached by ClinVar (database versions not stated): TOPMed below 0.00001; gnomAD 0.00001; gnomAD exomes 0.00001.
gnomAD v4.1: 12 of 1,613,852 alleles (0.00074%); highest among the groups gnomAD compares: Non-Finnish European, 0.00093%; 1 homozygote.

Submissions (4):

Ambry Genetics
Classification: Uncertain significance for Cardiovascular phenotype. Last evaluated: 2025-05-07. Review status: criteria provided, single submitter. Criteria: Ambry Variant Classification Scheme 2023. Collection method: clinical testing. Allele origin: germline.
Comment: The p.S190P variant (also known as c.568T>C), located in coding exon 3 of the ALMS1 gene, results from a T to C substitution at nucleotide position 568. The serine at codon 190 is replaced by proline, an amino acid with similar properties. This amino acid position is highly conserved in available vertebrate species. In addition, the in silico prediction for this alteration is inconclusive. Based on the available evidence, the clinical significance of this variant remains unclear.

Labcorp Genetics (formerly Invitae), Labcorp
Classification: Uncertain significance for Alstrom syndrome. Last evaluated: 2025-01-14. Review status: criteria provided, single submitter. Criteria: Invitae Variant Classification Sherloc (09022015). Collection method: clinical testing. Allele origin: germline.
Comment: This sequence change replaces serine, which is neutral and polar, with proline, which is neutral and non-polar, at codon 190 of the ALMS1 protein (p.Ser190Pro). This variant is present in population databases (rs760035952, gnomAD 0.008%). This variant has not been reported in the literature in individuals affected with ALMS1-related conditions. ClinVar contains an entry for this variant (Variation ID: 1479208). Experimental studies and prediction algorithms are not available or were not evaluated, and the functional significance of this variant is currently unknown. In summary, the available evidence is currently insufficient to determine the role of this variant in disease. Therefore, it has been classified as a Variant of Uncertain Significance.

GeneDx
Classification: Uncertain significance. Last evaluated: 2024-10-22. Review status: criteria provided, single submitter. Criteria: GeneDx Variant Classification Process June 2021. Collection method: clinical testing. Allele origin: germline. Affected: yes.
Comment: Not observed at significant frequency in large population cohorts (gnomAD); In silico analysis supports that this missense variant has a deleterious effect on protein structure/function; Has not been previously published as pathogenic or benign to our knowledge

Fulgent Genetics
Classification: Uncertain significance for Alstrom syndrome. Last evaluated: 2021-10-15. Review status: criteria provided, single submitter. Criteria: ACMG Guidelines, 2015. Collection method: clinical testing. Allele origin: unknown.

NM_001378454.1(ALMS1):c.565T>C (p.Ser189Pro)

Gene: ALMS1 (ALMS1 centrosome and basal body associated protein; plus strand). Cytogenetic location: 2p13.1.
Variant type: single nucleotide variant.
Coding change: c.565T>C on transcript NM_001378454.1 (MANE Select); coding-DNA position 565, T replaced by C.
Protein change: p.Ser189Pro; replaces serine 189 with proline.
Molecular consequence: missense variant.
Genome position (GRCh38, 1-based): chr2:73,419,237, T>C. VCF-style: chr2-73419237-T-C. GRCh37 (hg19) VCF-style: chr2-73646365-T-C.
Other names: c.568T>C, p.Ser190Pro (NM_015120.4); short protein forms S189P, S190P.
Identifiers: ClinVar variation 1479208 (VCV001479208.8), dbSNP rs760035952, ClinGen allele CA1712883.
Genomic context (GRCh38, chr2:73,419,237, plus strand): 5'-GATACATCCCAGACTAGGTTTAATGTGAGAACGGAAGATACTGAAGTGACAGACTTCCCC[T>C]CTCTGGAGGAGGGCATATTGACGCAATCAGAAAATCAAGTAAAGGAACCCAACAGAGATC-3'
Protein context (NP_001365383.1, residues 179-199): TEDTEVTDFP[Ser189Pro]LEEGILTQSE